The following is an entry in ClinVar:

ClinVar aggregate classification (germline): Conflicting classifications of pathogenicity. Review status: criteria provided, conflicting classifications (1 of 4 stars). 4 submissions from 4 submitters: Uncertain significance (2); Likely benign (2). Last evaluated 2026-04-08.

Conditions:
Focal segmental glomerulosclerosis 3, susceptibility to (FSGS3). Identifiers: Orphanet 656, MedGen C1842982, MONDO:0011917, OMIM 607832.

Allele frequency attached by ClinVar (database versions not stated): 1000 Genomes Project 0.00040; ExAC 0.00049; gnomAD exomes 0.00053; 1000 Genomes Project 30x 0.00062; gnomAD 0.00072 and 0.00074; TOPMed 0.00075; ESP Exome Variant Server 0.00100.
gnomAD v4.1: 1,953 of 1,597,642 alleles (0.12%); highest among the groups gnomAD compares: Non-Finnish European, 0.16%; 4 homozygotes.

Submissions (4):

Women's Health and Genetics/Laboratory Corporation of America, LabCorp
Classification: Uncertain significance. Last evaluated: 2026-04-08. Review status: criteria provided, single submitter. Criteria: LabCorp Variant Classification Summary - May 2015. Collection method: clinical testing. Allele origin: germline.
Comment: Variant summary: CD2AP c.992T>A (p.Leu331His) results in a non-conservative amino acid change in the encoded protein sequence. Algorithms developed to predict the effect of missense changes on protein structure and function are either unavailable or do not agree on the potential impact of this missense change. The variant allele was found at a frequency of 0.00053 in 251392 control chromosomes. This frequency is not significantly higher than estimated for disease-causing variants in CD2AP, allowing no conclusion about variant significance. To our knowledge, no occurrence of c.992T>A in individuals affected with CD2AP-related conditions and no experimental evidence demonstrating its impact on protein function have been reported. ClinVar contains an entry for this variant (Variation ID: 357171). Based on the evidence outlined above, the variant was classified as uncertain significance.

Labcorp Genetics (formerly Invitae), Labcorp
Classification: Uncertain significance. Last evaluated: 2025-06-12. Review status: criteria provided, single submitter. Criteria: Invitae Variant Classification Sherloc (09022015). Collection method: clinical testing. Allele origin: germline.
Comment: This sequence change replaces leucine, which is neutral and non-polar, with histidine, which is basic and polar, at codon 331 of the CD2AP protein (p.Leu331His). This variant is present in population databases (rs140188898, gnomAD 0.1%), and has an allele count higher than expected for a pathogenic variant. This variant has not been reported in the literature in individuals affected with CD2AP-related conditions. ClinVar contains an entry for this variant (Variation ID: 357171). Invitae Evidence Modeling of protein sequence and biophysical properties (such as structural, functional, and spatial information, amino acid conservation, physicochemical variation, residue mobility, and thermodynamic stability) indicates that this missense variant is not expected to disrupt CD2AP protein function with a negative predictive value of 80%. In summary, the available evidence is currently insufficient to determine the role of this variant in disease. Therefore, it has been classified as a Variant of Uncertain Significance.

Blueprint Genetics
Classification: Likely benign. Last evaluated: 2024-11-14. Review status: criteria provided, single submitter. Criteria: ACMG Guidelines, 2015. Collection method: clinical testing. Allele origin: germline.

Illumina Laboratory Services, Illumina
Classification: Likely benign for Focal segmental glomerulosclerosis 3, susceptibility to. Last evaluated: 2017-04-27. Review status: criteria provided, single submitter. Criteria: ICSL Variant Classification Criteria 13 December 2019. Collection method: clinical testing. Allele origin: germline.
Comment: This variant was observed as part of a predisposition screen in an ostensibly healthy population. A literature search was performed for the gene, cDNA change, and amino acid change (where applicable). No publications were found based on this search. Allele frequency data from public databases allowed determination this variant is unlikely to cause disease. Therefore, this variant is classified as likely benign.

NM_012120.3(CD2AP):c.992T>A (p.Leu331His)

Gene: CD2AP (CD2 associated protein; plus strand). Cytogenetic location: 6p12.3.
Variant type: single nucleotide variant.
Coding change: c.992T>A on transcript NM_012120.3 (MANE Select); coding-DNA position 992, T replaced by A.
Protein change: p.Leu331His; replaces leucine 331 with histidine.
Molecular consequence: missense variant.
Genome position (GRCh38, 1-based): chr6:47,579,473, T>A. VCF-style: chr6-47579473-T-A. GRCh37 (hg19) VCF-style: chr6-47547209-T-A.
Other names: short protein forms L331H.
Identifiers: ClinVar variation 357171 (VCV000357171.15), dbSNP rs140188898, ClinGen allele CA3844164.